The following is an entry in ClinVar:

NM_002250.3(KCNN4):c.344G>A (p.Cys115Tyr)

Gene: KCNN4 (potassium calcium-activated channel subfamily N member 4; minus strand). Cytogenetic location: 19q13.31.
Variant type: single nucleotide variant.
Coding change: c.344G>A on transcript NM_002250.3 (MANE Select); coding-DNA position 344, G replaced by A.
Protein change: p.Cys115Tyr; replaces cysteine 115 with tyrosine.
Molecular consequence: missense variant.
Genome position (GRCh38, 1-based): chr19:43,774,531, C>T on the plus strand (G>A on the coding strand, the complement: KCNN4 is on the minus strand). VCF-style: chr19-43774531-C-T. GRCh37 (hg19) VCF-style: chr19-44278683-C-T.
Other names: p.Cys115Tyr; short protein forms C115Y.
Identifiers: ClinVar variation 3355252 (VCV003355252.2).
Genomic context (GRCh38, chr19:43,774,531, plus strand): 5'-AGCGGCGCCCCTAAATCCTGCACGCACGGCGGGCCCCGCACGGGCGCCGGGTGCAGCCCA[C>T]ACACCACCAGCTCCAGCACGATCTGCGCCGCCTGCCGCCCGGTCAGCGCCACGCGCCAGT-3'
Protein context (NP_002241.1, residues 105-125): AAQIVLELVV[Cys115Tyr]GLHPAPVRGP

ClinVar aggregate classification (germline): Uncertain significance. Review status: criteria provided, single submitter (1 of 4 stars). 2 submissions from 2 submitters: Uncertain significance (1). 1 of the submissions does not count toward it. Last evaluated 2025-06-24.

Conditions:
KCNN4-related disorder. Also called: KCNN4-related condition.

gnomAD v4.1: 10 of 1,595,874 alleles (0.00063%); highest among the groups gnomAD compares: Non-Finnish European, 0.00085%; no homozygotes.

Submissions (2):

Mayo Clinic Laboratories, Mayo Clinic
Classification: Uncertain significance. Last evaluated: 2025-06-24. Review status: criteria provided, single submitter. Criteria: ACMG Guidelines, 2015. Collection method: clinical testing. Allele origin: germline. Observed: 1 variant allele.
Comment: PP3_moderate, PM2_supporting

PreventionGenetics, part of Exact Sciences
Classification: Uncertain significance for KCNN4-related condition. Last evaluated: 2024-06-25. Review status: no assertion criteria provided. Collection method: clinical testing. Allele origin: germline. Not counted in ClinVar's aggregate classification.
Comment: The KCNN4 c.344G>A variant is predicted to result in the amino acid substitution p.Cys115Tyr. To our knowledge, this variant has not been reported in the literature or in a large population database, indicating it is rare. At this time, the clinical significance of this variant is uncertain due to the absence of conclusive functional and genetic evidence.